The following is an entry in ClinVar:

NM_004656.4(BAP1):c.1195G>A (p.Asp399Asn)

Gene: BAP1 (BRCA1 associated deubiquitinase 1; minus strand). Cytogenetic location: 3p21.1.
Variant type: single nucleotide variant.
Coding change: c.1195G>A on transcript NM_004656.4 (MANE Select); coding-DNA position 1195, G replaced by A.
Protein change: p.Asp399Asn; replaces aspartic acid 399 with asparagine.
Molecular consequence: missense variant.
Genome position (GRCh38, 1-based): chr3:52,404,508, C>T on the plus strand (G>A on the coding strand, the complement: BAP1 is on the minus strand). VCF-style: chr3-52404508-C-T. GRCh37 (hg19) VCF-style: chr3-52438524-C-T.
Other names: c.1195G>A (NM_004656.2); short protein forms D399N.
Identifiers: ClinVar variation 1368189 (VCV001368189.8), dbSNP rs1270349297, ClinGen allele CA353103039.
Genomic context (GRCh38, chr3:52,404,508, plus strand): 5'-CTGACCTAAGGGCAGAGTTGGTGTTCTGCACGTCATCCTCCTCGTCATCCTCATAGTCAT[C>T]CTCATCATCTGAGTACTGCTGGGGTGGGCGGACTGGAACTCGGCTGCGGCCCACACCTGC-3'
Protein context (NP_004647.1, residues 389-409): RPPQQYSDDE[Asp399Asn]DYEDDEEDDV

ClinVar aggregate classification (germline): Conflicting classifications of pathogenicity. Review status: criteria provided, conflicting classifications (1 of 4 stars). 3 submissions from 3 submitters: Uncertain significance (2); Likely benign (1). Last evaluated 2024-12-23.

Conditions:
Hereditary cancer-predisposing syndrome. Also called: Neoplastic Syndromes, Hereditary; Tumor predisposition; Hereditary neoplastic syndrome; Hereditary Cancer Syndrome. Identifiers: Orphanet 140162, MedGen C0027672, MeSH D009386, MONDO:0015356.
BAP1-related tumor predisposition syndrome (TPDS1). Also called: TUMOR PREDISPOSITION SYNDROME 1; Tumor susceptibility linked to germline BAP1 mutations; BAP1 tumor predisposition syndrome; COMMON Syndrome. Identifiers: Orphanet 289539, MedGen C3280492, MONDO:0013692, OMIM 614327.

Allele frequency attached by ClinVar (database versions not stated): gnomAD exomes below 0.00001.

Submissions (3):

Color Diagnostics, LLC DBA Color Health
Classification: Uncertain significance for Hereditary cancer-predisposing syndrome. Last evaluated: 2024-12-23. Review status: criteria provided, single submitter. Criteria: ACMG Guidelines, 2015. Collection method: clinical testing. Allele origin: germline.
Comment: This missense variant replaces aspartic acid with asparagine at codon 399 of the BAP1 protein. Computational prediction suggests that this variant may not impact protein structure and function. To our knowledge, functional studies have not been reported for this variant. This variant has not been reported in individuals affected with BAP1-related disorders in the literature. This variant has been identified in 1/248588 chromosomes in the general population by the Genome Aggregation Database (gnomAD). The available evidence is insufficient to determine the role of this variant in disease conclusively. Therefore, this variant is classified as a Variant of Uncertain Significance.

Ambry Genetics
Classification: Likely benign for Hereditary cancer-predisposing syndrome. Last evaluated: 2023-12-05. Review status: criteria provided, single submitter. Criteria: Ambry Variant Classification Scheme 2023. Collection method: clinical testing. Allele origin: germline.

Labcorp Genetics (formerly Invitae), Labcorp
Classification: Uncertain significance for BAP1-related tumor predisposition syndrome. Last evaluated: 2022-08-04. Review status: criteria provided, single submitter. Criteria: Invitae Variant Classification Sherloc (09022015). Collection method: clinical testing. Allele origin: germline.
Comment: In summary, the available evidence is currently insufficient to determine the role of this variant in disease. Therefore, it has been classified as a Variant of Uncertain Significance. Algorithms developed to predict the effect of missense changes on protein structure and function are either unavailable or do not agree on the potential impact of this missense change (SIFT: "Deleterious"; PolyPhen-2: "Benign"; Align-GVGD: "Class C0"). ClinVar contains an entry for this variant (Variation ID: 1368189). This variant has not been reported in the literature in individuals affected with BAP1-related conditions. This variant is present in population databases (no rsID available, gnomAD 0.0009%). This sequence change replaces aspartic acid, which is acidic and polar, with asparagine, which is neutral and polar, at codon 399 of the BAP1 protein (p.Asp399Asn).